The following is an entry in ClinVar:

NM_000548.5(TSC2):c.1599+8C>A

Gene: TSC2 (TSC complex subunit 2; plus strand). Cytogenetic location: 16p13.3.
Variant type: single nucleotide variant.
Coding change: c.1599+8C>A on transcript NM_000548.5 (MANE Select); 8 bases into the intron after coding-DNA position 1599, C replaced by A.
Molecular consequence: intron variant.
Genome position (GRCh38, 1-based): chr16:2,064,435, C>A. VCF-style: chr16-2064435-C-A. GRCh37 (hg19) VCF-style: chr16-2114436-C-A.
Other names: c.1599+8C>A (NM_001114382.3, NM_021055.3, NM_001370405.1 and 3 more transcripts); c.1488+8C>A (NM_001318827.2); c.999+8C>A (NM_001318831.2); c.1452+8C>A (NM_001318829.2); c.1632+8C>A (NM_001318832.2).
Identifiers: ClinVar variation 536032 (VCV000536032.12), dbSNP rs780311327, ClinGen allele CA031456.

ClinVar aggregate classification (germline): Benign/Likely benign. Review status: criteria provided, multiple submitters, no conflicts (2 of 4 stars). 2 submissions from 2 submitters: Benign (1); Likely benign (1). Last evaluated 2026-02-02.

Conditions:
Tuberous sclerosis 2 (TSC2). Identifiers: Orphanet 805, MedGen C1860707, MONDO:0013199, OMIM 613254.

Allele frequency attached by ClinVar (database versions not stated): TOPMed 0.00001; ExAC 0.00002; gnomAD exomes 0.00002; gnomAD 0.00001.
gnomAD v4.1: 18 of 1,612,942 alleles (0.0011%); highest among the groups gnomAD compares: Non-Finnish European, 0.0011%; no homozygotes.

Submissions (2):

Labcorp Genetics (formerly Invitae), Labcorp
Classification: Likely benign for Tuberous sclerosis 2. Last evaluated: 2026-02-02. Review status: criteria provided, single submitter. Criteria: Invitae Variant Classification Sherloc (09022015). Collection method: clinical testing. Allele origin: germline.

Myriad Genetics, Inc.
Classification: Benign for Tuberous sclerosis 2. Last evaluated: 2025-05-14. Review status: criteria provided, single submitter. Criteria: Myriad Autosomal Dominant, Autosomal Recessive and X-Linked Classification Criteria (2023). Collection method: clinical testing. Allele origin: unknown.
Comment: This variant is considered benign. This variant is intronic and is not expected to impact mRNA splicing. This variant has been observed at a population frequency that is significantly greater than expected given the associated disease prevalence and penetrance.